The following is an entry in ClinVar:

NM_012330.4(KAT6B):c.550G>A (p.Ala184Thr)

Gene: KAT6B (lysine acetyltransferase 6B; plus strand). Cytogenetic location: 10q22.2.
Variant type: single nucleotide variant.
Coding change: c.550G>A on transcript NM_012330.4 (MANE Select); coding-DNA position 550, G replaced by A.
Protein change: p.Ala184Thr; replaces alanine 184 with threonine.
Molecular consequence: missense variant. On other transcripts: synonymous variant (2).
Genome position (GRCh38, 1-based): chr10:74,843,407, G>A. VCF-style: chr10-74843407-G-A. GRCh37 (hg19) VCF-style: chr10-76603165-G-A.
Other names: c.550G>A, p.Ala184Thr (NM_001256468.2, NM_001256469.2, NM_001370142.1 and 10 more transcripts); c.12G>A, p.Gly4= (NM_001370134.1, NM_001370135.1); c.550G>A (NM_012330.3); short protein forms A184T.
Identifiers: ClinVar variation 2078157 (VCV002078157.5), dbSNP rs375472679, ClinGen allele CA5564232.

ClinVar aggregate classification (germline): Conflicting classifications of pathogenicity. Review status: criteria provided, conflicting classifications (1 of 4 stars). 2 submissions from 2 submitters: Uncertain significance (1); Likely benign (1). Last evaluated 2026-06-16.

Conditions:
KAT6B-related disorder. Also called: KAT6B-related disorders; KAT6B-related condition.
Genitopatellar syndrome (GTPTS). Also called: ABSENT PATELLAE, SCROTAL HYPOPLASIA, RENAL ANOMALIES, FACIAL DYSMORPHISM, AND MENTAL RETARDATION; Genitopatellar syndrome (GPS). Identifiers: Orphanet 85201, MedGen C1853566, MONDO:0011640, OMIM 606170.

Allele frequency attached by ClinVar (database versions not stated): gnomAD exomes 0.00001; TOPMed 0.00001; gnomAD 0.00002; ESP Exome Variant Server 0.00008.
gnomAD v4.1: 19 of 1,613,802 alleles (0.0012%); highest among the groups gnomAD compares: Non-Finnish European, 0.0016%; no homozygotes.

Submissions (2):

PreventionGenetics, part of Exact Sciences
Classification: Likely benign for KAT6B-related condition. Last evaluated: 2026-06-16. Review status: criteria provided, single submitter. Criteria: ACMG Guidelines, 2015. Collection method: clinical testing. Allele origin: germline.
Comment: This variant is classified as likely benign based on ACMG/AMP sequence variant interpretation guidelines (Richards et al. 2015 PMID: 25741868, with internal and published modifications).

Labcorp Genetics (formerly Invitae), Labcorp
Classification: Uncertain significance for Genitopatellar syndrome. Last evaluated: 2025-02-17. Review status: criteria provided, single submitter. Criteria: Invitae Variant Classification Sherloc (09022015). Collection method: clinical testing. Allele origin: germline.
Comment: This sequence change replaces alanine, which is neutral and non-polar, with threonine, which is neutral and polar, at codon 184 of the KAT6B protein (p.Ala184Thr). This variant is present in population databases (rs375472679, gnomAD 0.004%). This variant has not been reported in the literature in individuals affected with KAT6B-related conditions. ClinVar contains an entry for this variant (Variation ID: 2078157). An algorithm developed to predict the effect of missense changes on protein structure and function (PolyPhen-2) suggests that this variant is likely to be tolerated. In summary, the available evidence is currently insufficient to determine the role of this variant in disease. Therefore, it has been classified as a Variant of Uncertain Significance.